The following is an entry in ClinVar:

NM_001127392.3(MYRF):c.1786C>T (p.Gln596Ter)

Gene: MYRF (myelin regulatory factor; plus strand). Cytogenetic location: 11q12.2.
Variant type: single nucleotide variant.
Coding change: c.1786C>T on transcript NM_001127392.3 (MANE Select); coding-DNA position 1786, C replaced by T.
Protein change: p.Gln596Ter; replaces glutamine 596 with a stop codon.
Molecular consequence: nonsense.
Genome position (GRCh38, 1-based): chr11:61,777,459, C>T. VCF-style: chr11-61777459-C-T. GRCh37 (hg19) VCF-style: chr11-61544931-C-T.
Other names: c.1759C>T, p.Gln587Ter (NM_013279.4); short protein forms Q587*, Q596*.
Identifiers: ClinVar variation 977137 (VCV000977137.2), dbSNP rs762143393, ClinGen allele CA380856545.
Genomic context (GRCh38, chr11:61,777,459, plus strand): 5'-AATGTCAAGGTCATGGGCTCGCTTATGCACCCCTCCGACCTGCGCGCCAAGGAACACGTG[C>T]AGGAGGTGGGGACAGGGCTGTGGGGGCCGGGCGGGTCCAGACGCTGGAGCGGGCCGCGGG-3'

ClinVar aggregate classification (germline): Likely pathogenic. Review status: criteria provided, single submitter (1 of 4 stars). 2 submissions from 2 submitters: Likely pathogenic (1). 1 of the submissions does not count toward it. Last evaluated 2020-05-28.

Conditions:
Urogenital tract malformation. Also called: Abnormality of the genitourinary system. Identifiers: Orphanet 83001, MedGen C0042063, MONDO:0019356, HP:0000119.
Abnormal heart morphology. Also called: Abnormality of cardiac morphology; Heart, malformation of. Identifiers: MedGen C0018798, MeSH D006330, HP:0001627.
Dextrocardia. Identifiers: Orphanet 1666, MedGen C0011813, MONDO:0015661, HP:0001651.

Submissions (2):

Broad Center for Mendelian Genomics, Broad Institute of MIT and Harvard
Classification: Likely pathogenic for Dextrocardia. Last evaluated: 2020-05-28. Review status: criteria provided, single submitter. Criteria: ACMG Guidelines, 2015. Collection method: research. Allele origin: germline. Inheritance: Autosomal dominant inheritance.
Comment: Trio exome analysis showed this variant to be de novo. This variant was absent from large population studies. This nonsense variant leads to a premature termination codon at position 596, which is predicted to lead to a truncated or absent protein. While there is some evidence to suggest that heterozygous loss of function of the MYRF gene is a disease mechanism in autosomal dominant cardiac-urogenital syndrome, this association is not yet strongly established based on the criteria laid out in Tayoun, 2018 (PMID: 30192042). In summary, although additional studies are required to fully establish its clinical significance, this variant is likely pathogenic. ACMG/AMP Criteria applied: PS2, PM2, PVS1_Moderate (Richards 2015).

University of Washington Center for Mendelian Genomics, University of Washington
Classification: Likely pathogenic for Abnormal heart morphology; Urogenital tract malformation. Review status: no assertion criteria provided. Collection method: research. Allele origin: de novo. Affected: yes. Not counted in ClinVar's aggregate classification.

Literature cited by the submitters: PubMed 30532227 (cited by Broad Center for Mendelian Genomics, Broad Institute of MIT and Harvard and University of Washington Center for Mendelian Genomics, University of Washington).